The following is an entry in ClinVar:

ClinVar aggregate classification (germline): Uncertain significance. Review status: criteria provided, multiple submitters, no conflicts (2 of 4 stars). 3 submissions from 3 submitters: Uncertain significance (3). Last evaluated 2026-07-27.

Conditions:
DICER1-related tumor predisposition. Also called: DICER1-related pleuropulmonary blastoma cancer predisposition syndrome; DICER1 syndrome. Identifiers: Orphanet 284343, MedGen C3839822, MONDO:0100216.
Pleuropulmonary blastoma (PPB). Identifiers: Orphanet 64742, MedGen C1266144, MONDO:0011014, OMIM 601200, HP:0100528.
Hereditary cancer-predisposing syndrome. Also called: Hereditary Cancer Syndrome; Hereditary neoplastic syndrome; Neoplastic Syndromes, Hereditary; Tumor predisposition. Identifiers: Orphanet 140162, MedGen C0027672, MeSH D009386, MONDO:0015356.

Submissions (3):

Ambry Genetics
Classification: Uncertain significance for Hereditary cancer-predisposing syndrome. Last evaluated: 2026-07-27. Review status: criteria provided, single submitter. Criteria: Ambry Variant Classification Scheme 2023. Collection method: clinical testing. Allele origin: germline.
Comment: The p.D1119E variant (also known as c.3357T>A), located in coding exon 20 of the DICER1 gene, results from a T to A substitution at nucleotide position 3357. The aspartic acid at codon 1119 is replaced by glutamic acid, an amino acid with highly similar properties. This amino acid position is conserved. In addition, this alteration is predicted to be tolerated by in silico analysis. Based on the available evidence, the clinical significance of this variant remains unclear.

Labcorp Genetics (formerly Invitae), Labcorp
Classification: Uncertain significance for DICER1-related tumor predisposition. Last evaluated: 2024-07-09. Review status: criteria provided, single submitter. Criteria: Invitae Variant Classification Sherloc (09022015). Collection method: clinical testing. Allele origin: germline.
Comment: This sequence change replaces aspartic acid, which is acidic and polar, with glutamic acid, which is acidic and polar, at codon 1119 of the DICER1 protein (p.Asp1119Glu). This variant is not present in population databases (gnomAD no frequency). This variant has not been reported in the literature in individuals affected with DICER1-related conditions. ClinVar contains an entry for this variant (Variation ID: 2444892). Advanced modeling of protein sequence and biophysical properties (such as structural, functional, and spatial information, amino acid conservation, physicochemical variation, residue mobility, and thermodynamic stability) performed at Invitae indicates that this missense variant is not expected to disrupt DICER1 protein function with a negative predictive value of 80%. In summary, the available evidence is currently insufficient to determine the role of this variant in disease. Therefore, it has been classified as a Variant of Uncertain Significance.

St. Jude Molecular Pathology, St. Jude Children's Research Hospital
Classification: Uncertain significance for Pleuropulmonary blastoma. Last evaluated: 2022-10-26. Review status: criteria provided, single submitter. Criteria: St. Jude Assertion Criteria 2020. Collection method: clinical testing. Allele origin: germline.
Comment: The DICER1 c.3357T>A (p.Asp1119Glu) missense change is absent in gnomAD non-cancer v2.1.1. The in silico tool REVEL predicts a benign effect on protein function and no splicing effects are predicted, but to our knowledge these predictions have not been confirmed by functional studies. To our knowledge, this variant has not been reported in individuals with DICER1-associated tumors. In summary, the evidence currently available is insufficient to determine the clinical significance of this variant. It has therefore been classified as of uncertain significance.

NM_177438.3(DICER1):c.3357T>A (p.Asp1119Glu)

Gene: DICER1 (dicer 1, ribonuclease III; minus strand). Cytogenetic location: 14q32.13.
Variant type: single nucleotide variant.
Coding change: c.3357T>A on transcript NM_177438.3 (MANE Select); coding-DNA position 3357, T replaced by A.
Protein change: p.Asp1119Glu; replaces aspartic acid 1119 with glutamic acid.
Molecular consequence: missense variant. On other transcripts: non-coding transcript variant (6).
Genome position (GRCh38, 1-based): chr14:95,104,039, A>T on the plus strand (T>A on the coding strand, the complement: DICER1 is on the minus strand). VCF-style: chr14-95104039-A-T. GRCh37 (hg19) VCF-style: chr14-95570376-A-T.
Other names: c.3357T>A, p.Asp1119Glu (NM_001195573.1, NM_001271282.3, NM_001291628.2 and 13 more transcripts); c.3075T>A, p.Asp1025Glu (NM_001395686.1); c.2952T>A, p.Asp984Glu (NM_001395687.1, NM_001395688.1, NM_001395689.1 and 2 more transcripts); c.2790T>A, p.Asp930Glu (NM_001395691.1); c.1674T>A, p.Asp558Glu (NM_001395697.1); short protein forms D1025E, D1119E, D558E, D930E, D984E.
Identifiers: ClinVar variation 2444892 (VCV002444892.4), dbSNP rs2542719127, ClinGen allele CA390875770.
Genomic context (GRCh38, chr14:95,104,039, plus strand): 5'-TCTATTAGCACCTTGATGTGCAGCATTTTCAGGGACAATTGTGCTGTGCTTACAGTAATT[A>T]TCATTTTCAGCTGAAGAGGAGTTAGAAATTGAGATGAAAGATTTGCTGTCAATAGATTTT-3'
Protein context (NP_803187.1, residues 1109-1129): SISNSSSAEN[Asp1119Glu]NYCKHSTIVP